The following is an entry in ClinVar:

ClinVar aggregate classification (germline): Uncertain significance (1 of 4 stars; one submission).

Conditions:
Spinocerebellar ataxia 42, early-onset, severe, with neurodevelopmental deficits. Identifiers: MedGen C4748120, MONDO:0060758, OMIM 618087.

Allele frequency attached by ClinVar (database versions not stated): gnomAD exomes below 0.00001.
gnomAD v4.1: 5 of 1,612,820 alleles (0.00031%); highest among the groups gnomAD compares: South Asian, 0.0055%; 1 homozygote.

Submission:

Neuberg Centre For Genomic Medicine, NCGM
Classification: Uncertain significance for Spinocerebellar ataxia 42, early-onset, severe, with neurodevelopmental deficits. Review status: criteria provided, single submitter. Criteria: ACMG Guidelines, 2015. Collection method: clinical testing. Allele origin: germline. Inheritance: Autosomal dominant inheritance. Affected: yes.
Comment: The observed missense c.3373A>G(p.Ser1125Gly) variant in CACNA1G gene has not been reported previously as a pathogenic variant nor as a benign variant, to our knowledge. The p.Ser1125Gly variant is absent in gnomAD Exomes database. This variant has not been submitted to the ClinVar database. The amino acid change p.Ser1125Gly in CACNA1G is predicted as conserved by GERP++ and PhyloP across 100 vertebrates. The amino acid Ser at position 1125 is changed to a Gly changing protein sequence and it might alter its composition and physico-chemical properties. For these reasons, this variant has been classified as Variant of Uncertain Significance (VUS).

NM_018896.5(CACNA1G):c.3373A>G (p.Ser1125Gly)

Gene: CACNA1G (calcium voltage-gated channel subunit alpha1 G; plus strand). Cytogenetic location: 17q21.33.
Variant type: single nucleotide variant.
Coding change: c.3373A>G on transcript NM_018896.5 (MANE Select); coding-DNA position 3373, A replaced by G.
Protein change: p.Ser1125Gly; replaces serine 1125 with glycine.
Molecular consequence: missense variant. On other transcripts: non-coding transcript variant (5).
Genome position (GRCh38, 1-based): chr17:50,599,542, A>G. VCF-style: chr17-50599542-A-G. GRCh37 (hg19) VCF-style: chr17-48676903-A-G.
Other names: c.3373A>G, p.Ser1125Gly (NM_001256324.2, NM_001256325.2, NM_001256326.2 and 16 more transcripts); c.3304A>G, p.Ser1102Gly (NM_001256332.2, NM_198376.3, NM_198379.3 and 5 more transcripts); short protein forms S1102G, S1125G.
Identifiers: ClinVar variation 3242055 (VCV003242055.1), dbSNP rs2545422516.